The following is an entry in ClinVar:

NM_002936.6(RNASEH1):c.143C>T (p.Ala48Val)

Gene: RNASEH1 (ribonuclease H1; minus strand). Cytogenetic location: 2p25.3.
Variant type: single nucleotide variant.
Coding change: c.143C>T on transcript NM_002936.6 (MANE Select); coding-DNA position 143, C replaced by T.
Protein change: p.Ala48Val; replaces alanine 48 with valine.
Molecular consequence: missense variant. On other transcripts: 5 prime UTR variant (1), non-coding transcript variant (6).
Genome position (GRCh38, 1-based): chr2:3,556,890, G>A on the plus strand (C>T on the coding strand, the complement: RNASEH1 is on the minus strand). VCF-style: chr2-3556890-G-A. GRCh37 (hg19) VCF-style: chr2-3604480-G-A.
Other names: c.143C>T (NM_002936.4); c.65C>T, p.Ala22Val (NM_001286834.3); c.-209C>T (NM_001286837.3); c.143C>T, p.Ala48Val (NM_001378271.1, NM_001378272.1, NM_001378273.1); short protein forms A48V, A22V.
Identifiers: ClinVar variation 1962544 (VCV001962544.5), dbSNP rs1413234249, ClinGen allele CA345739709.

ClinVar aggregate classification (germline): Uncertain significance. Review status: criteria provided, multiple submitters, no conflicts (2 of 4 stars). 2 submissions from 2 submitters: Uncertain significance (2). Last evaluated 2025-04-20.

Allele frequency attached by ClinVar (database versions not stated): TOPMed below 0.00001; gnomAD exomes below 0.00001.
gnomAD v4.1: 2 of 1,612,674 alleles (0.00012%); highest among the groups gnomAD compares: Admixed American, 0.0017%; no homozygotes.

Submissions (2):

GeneDx
Classification: Uncertain significance. Last evaluated: 2025-04-20. Review status: criteria provided, single submitter. Criteria: GeneDx Variant Classification Process June 2021. Collection method: clinical testing. Allele origin: germline. Affected: yes.
Comment: Not observed at significant frequency in large population cohorts (gnomAD); In silico analysis indicates that this missense variant does not alter protein structure/function; Has not been previously published as pathogenic or benign to our knowledge

Labcorp Genetics (formerly Invitae), Labcorp
Classification: Uncertain significance. Last evaluated: 2022-07-23. Review status: criteria provided, single submitter. Criteria: Invitae Variant Classification Sherloc (09022015). Collection method: clinical testing. Allele origin: germline.
Comment: In summary, the available evidence is currently insufficient to determine the role of this variant in disease. Therefore, it has been classified as a Variant of Uncertain Significance. Algorithms developed to predict the effect of missense changes on protein structure and function output the following: SIFT: "Tolerated"; PolyPhen-2: "Benign"; Align-GVGD: "Class C0". The valine amino acid residue is found in multiple mammalian species, which suggests that this missense change does not adversely affect protein function. This variant has not been reported in the literature in individuals affected with RNASEH1-related conditions. This variant is present in population databases (no rsID available, gnomAD 0.003%). This sequence change replaces alanine, which is neutral and non-polar, with valine, which is neutral and non-polar, at codon 48 of the RNASEH1 protein (p.Ala48Val).